The following is an entry in ClinVar:

ClinVar aggregate classification (germline): Pathogenic (1 of 4 stars; one submission).

Conditions:
TELO2-related intellectual disability-neurodevelopmental disorder. Also called: You-Hoover-Fong syndrome. Identifiers: Orphanet 488642, MedGen C4310778, MONDO:0014848, OMIM 616954.

Submission:

Women's Health and Genetics/Laboratory Corporation of America, LabCorp
Classification: Pathogenic for TELO2-related intellectual disability-neurodevelopmental disorder. Last evaluated: 2026-06-24. Review status: criteria provided, single submitter. Criteria: LabCorp Variant Classification Summary - May 2015. Collection method: clinical testing. Allele origin: germline.
Comment: Variant summary: TELO2 c.2184_2191dupGCACACCT (p.Leu731CysfsX4) results in a premature termination codon, predicted to cause a truncation of the encoded protein or absence of the protein due to nonsense mediated decay, which are commonly known mechanisms for disease. Loss-of-function variants in this gene are known to be pathogenic. The variant was absent in 245780 control chromosomes. To our knowledge, no occurrence of c.2184_2191dupGCACACCT in individuals affected with TELO2-related conditions and no experimental evidence demonstrating its impact on protein function have been reported. No submitters have cited clinical-significance assessments for this variant to ClinVar. Based on the evidence outlined above, the variant was classified as pathogenic.

NM_016111.4(TELO2):c.2184_2191dup (p.Leu731fs)

Gene: TELO2 (telomere maintenance 2; plus strand). Cytogenetic location: 16p13.3.
Variant type: Duplication.
Coding change: c.2184_2191dup on transcript NM_016111.4 (MANE Select); coding-DNA positions 2184 to 2191, 8 bases duplicated (GCACACCT; older notation c.2184_2191dupGCACACCT).
Protein change: p.Leu731fs; shifts the reading frame from leucine 731.
Molecular consequence: frameshift variant.
Genome position (GRCh38, 1-based): chr16:1,507,009-1,507,016, GCACACCT duplicated. VCF-style (leftmost placement, unchanged base first): chr16-1507008-C-CGCACACCT. GRCh37 (hg19) VCF-style: chr16-1557009-C-CGCACACCT.
Other names: c.2184_2191dup, p.Leu731fs (NM_001351846.2); c.2184_2191dupGCACACCT (NM_016111.4); short protein forms L731fs.
Identifiers: ClinVar variation 4887695 (VCV004887695.1).